The following is an entry in ClinVar:

NM_006231.4(POLE):c.6449C>A (p.Ser2150Tyr)

Gene: POLE (DNA polymerase epsilon, catalytic subunit; minus strand). Cytogenetic location: 12q24.33.
Variant type: single nucleotide variant.
Coding change: c.6449C>A on transcript NM_006231.4 (MANE Select); coding-DNA position 6449, C replaced by A.
Protein change: p.Ser2150Tyr; replaces serine 2150 with tyrosine.
Molecular consequence: missense variant.
Genome position (GRCh38, 1-based): chr12:132,626,199, G>T on the plus strand (C>A on the coding strand, the complement: POLE is on the minus strand). VCF-style: chr12-132626199-G-T. GRCh37 (hg19) VCF-style: chr12-133202785-G-T.
Other names: short protein forms S2150Y.
Identifiers: ClinVar variation 659329 (VCV000659329.8), dbSNP rs1593697508, ClinGen allele CA387367503.
Genomic context (GRCh38, chr12:132,626,199, plus strand): 5'-CACAGGTCCAGGTCGCGGCAGAAGTTACAGCTGCGGCAGATGACCTCAGGAAGCACGTAG[G>T]AGCGGCAGGGGTCTCGGAACTGGGCCTCCTCGGAGAACTCGCCGACATCCACCAGGCGAA-3'
Protein context (NP_006222.2, residues 2140-2160): EEAQFRDPCR[Ser2150Tyr]YVLPEVICRS

ClinVar aggregate classification (germline): Uncertain significance (1 of 4 stars; one submission).

Submission:

Labcorp Genetics (formerly Invitae), Labcorp
Classification: Uncertain significance. Last evaluated: 2018-12-13. Review status: criteria provided, single submitter. Criteria: Invitae Variant Classification Sherloc (09022015). Collection method: clinical testing. Allele origin: germline.
Comment: This sequence change replaces serine with tyrosine at codon 2150 of the POLE protein (p.Ser2150Tyr). The serine residue is highly conserved and there is a large physicochemical difference between serine and tyrosine. This variant is not present in population databases (ExAC no frequency). This variant has not been reported in the literature in individuals with POLE-related conditions. Algorithms developed to predict the effect of missense changes on protein structure and function are either unavailable or do not agree on the potential impact of this missense change (SIFT: "Deleterious"; PolyPhen-2: "Probably Damaging"; Align-GVGD: "Class C0"). In summary, the available evidence is currently insufficient to determine the role of this variant in disease. Therefore, it has been classified as a Variant of Uncertain Significance.